The following is an entry in ClinVar:

NM_002878.4(RAD51D):c.493C>G (p.Arg165Gly)

Genes: RAD51L3-RFFL (RAD51L3-RFFL readthrough; minus strand), RAD51D (RAD51 paralog D; minus strand). Cytogenetic location: 17q12.
Variant type: single nucleotide variant.
Coding change: c.493C>G on transcript NM_002878.4 (MANE Select); coding-DNA position 493, C replaced by G.
Protein change: p.Arg165Gly; replaces arginine 165 with glycine.
Molecular consequence: missense variant. On other transcripts: non-coding transcript variant (3).
Genome position (GRCh38, 1-based): chr17:35,106,469, G>C on the plus strand (C>G on the coding strand, the complement: RAD51D is on the minus strand). VCF-style: chr17-35106469-G-C. GRCh37 (hg19) VCF-style: chr17-33433488-G-C.
Other names: p.R165G:CGG>GGG; c.553C>G, p.Arg185Gly (NM_001142571.2); c.157C>G, p.Arg53Gly (NM_133629.3); short protein forms R165G, R53G, R185G.
Identifiers: ClinVar variation 127890 (VCV000127890.20), dbSNP rs544654228, ClinGen allele CA287980.

ClinVar aggregate classification (germline): Uncertain significance. Review status: criteria provided, multiple submitters, no conflicts (2 of 4 stars). 7 submissions from 7 submitters: Uncertain significance (7). Last evaluated 2025-07-18.

Conditions:
Hereditary cancer-predisposing syndrome. Also called: Hereditary neoplastic syndrome; Neoplastic Syndromes, Hereditary; Hereditary Cancer Syndrome; Tumor predisposition. Identifiers: Orphanet 140162, MedGen C0027672, MeSH D009386, MONDO:0015356.
Breast-ovarian cancer, familial, susceptibility to, 4. Identifiers: Orphanet 145, MedGen C3280345, MONDO:0013669, OMIM 614291.
Hereditary breast ovarian cancer syndrome. Also called: Hereditary breast and/or ovarian cancer syndrome; Hereditary breast and ovarian cancer syndrome; Breast and ovarian cancer; BRCA1- and BRCA2-Associated Hereditary Breast and Ovarian Cancer; Hereditary breast and ovarian cancer; Hereditary breast and ovarian cancer syndrome (HBOC). Identifiers: Orphanet 145, MedGen C0677776, MeSH D061325, MONDO:0003582. Disease mechanism: loss of function.

gnomAD v4.1: 2 of 1,612,352 alleles (0.00012%); highest among the groups gnomAD compares: Non-Finnish European, 0.00017%; no homozygotes.

Submissions (7):

Labcorp Genetics (formerly Invitae), Labcorp
Classification: Uncertain significance for Breast-ovarian cancer, familial, susceptibility to, 4. Last evaluated: 2025-07-18. Review status: criteria provided, single submitter. Criteria: Invitae Variant Classification Sherloc (09022015). Collection method: clinical testing. Allele origin: germline.
Comment: This sequence change replaces arginine, which is basic and polar, with glycine, which is neutral and non-polar, at codon 165 of the RAD51D protein (p.Arg165Gly). This variant is not present in population databases (gnomAD no frequency). This missense change has been observed in individual(s) with a personal and/or family history of breast and/or ovarian cancer (PMID: 31159747). ClinVar contains an entry for this variant (Variation ID: 127890). Invitae Evidence Modeling of protein sequence and biophysical properties (such as structural, functional, and spatial information, amino acid conservation, physicochemical variation, residue mobility, and thermodynamic stability) indicates that this missense variant is not expected to disrupt RAD51D protein function with a negative predictive value of 80%. In summary, the available evidence is currently insufficient to determine the role of this variant in disease. Therefore, it has been classified as a Variant of Uncertain Significance.

Ambry Genetics
Classification: Uncertain significance for Hereditary cancer-predisposing syndrome. Last evaluated: 2025-06-25. Review status: criteria provided, single submitter. Criteria: Ambry Variant Classification Scheme 2023. Collection method: clinical testing. Allele origin: germline.
Comment: The p.R165G variant (also known as c.493C>G), located in coding exon 6 of the RAD51D gene, results from a C to G substitution at nucleotide position 493. The arginine at codon 165 is replaced by glycine, an amino acid with dissimilar properties. This variant has been reported in 1 of 1197 individuals from Greece, Romania, and Turkey undergoing evaluation for inherited cancer predisposition (Tsaousis GN et al. BMC Cancer, 2019 Jun;19:535). This amino acid position is poorly conserved in available vertebrate species. In addition, this alteration is predicted to be tolerated by in silico analysis. Based on the available evidence, the clinical significance of this variant remains unclear.

Center for Genomic Medicine, Rigshospitalet, Copenhagen University Hospital
Classification: Uncertain significance. Last evaluated: 2025-03-04. Review status: criteria provided, single submitter. Criteria: ACMG Guidelines, 2015. Collection method: clinical testing. Allele origin: germline.

Color Diagnostics, LLC DBA Color Health
Classification: Uncertain significance for Hereditary cancer-predisposing syndrome. Last evaluated: 2019-04-03. Review status: criteria provided, single submitter. Criteria: ACMG Guidelines, 2015. Collection method: clinical testing. Allele origin: germline.

GeneKor MSA
Classification: Uncertain significance for Hereditary cancer-predisposing syndrome. Last evaluated: 2018-08-01. Review status: criteria provided, single submitter. Criteria: ACMG Guidelines, 2015. Collection method: clinical testing. Allele origin: germline.

Mendelics
Classification: Uncertain significance for Hereditary breast and ovarian cancer syndrome. Last evaluated: 2018-07-02. Review status: criteria provided, single submitter. Criteria: Mendelics Assertion Criteria 2017. Collection method: clinical testing. Allele origin: unknown.

GeneDx
Classification: Uncertain significance. Last evaluated: 2016-03-31. Review status: criteria provided, single submitter. Criteria: GeneDx Variant Classification (06012015). Collection method: clinical testing. Allele origin: germline. Affected: yes.
Comment: This variant is denoted RAD51D c.493C>G at the cDNA level, p.Arg165Gly (R165G) at the protein level, and results in the change of an Arginine to a Glycine (CGG>GGG). This variant has not, to our knowledge, been published in the literature as pathogenic or benign. RAD51D Arg165Gly was not observed in approximately 6,500 individuals of European and African American ancestry in the NHLBI Exome Sequencing Project, suggesting it is not a common benign variant in these populations. Since Arginine and Glycine differ in polarity, charge, size or other properties, this is considered a non-conservative amino acid substitution. RAD51D Arg165Gly occurs at a position that is not conserved and is located in the ATPase domain (Kim 2011). In silico analyses are inconsistent regarding the effect this variant may have on protein structure and function. Based on currently available evidence, it is unclear whether RAD51D Arg165Gly is a pathogenic or benign variant. We consider it to be a variant of uncertain significance.

Literature cited by the submitters: PubMed 31159747 (cited by Labcorp Genetics (formerly Invitae), Labcorp and Ambry Genetics).